The following is an entry in ClinVar:

NM_000334.4(SCN4A):c.2564T>C (p.Met855Thr)

Genes: GH-LCR (growth hormone locus control region; plus strand), SCN4A (sodium voltage-gated channel alpha subunit 4; minus strand). Cytogenetic location: 17q23.3.
Variant type: single nucleotide variant.
Coding change: c.2564T>C on transcript NM_000334.4 (MANE Select); coding-DNA position 2564, T replaced by C.
Protein change: p.Met855Thr; replaces methionine 855 with threonine.
Molecular consequence: missense variant.
Genome position (GRCh38, 1-based): chr17:63,951,713, A>G on the plus strand (T>C on the coding strand, the complement: SCN4A is on the minus strand). VCF-style: chr17-63951713-A-G. GRCh37 (hg19) VCF-style: chr17-62029073-A-G.
Other names: short protein forms M855T.
Identifiers: ClinVar variation 577263 (VCV000577263.13), dbSNP rs1346442665, ClinGen allele CA400626711.

ClinVar aggregate classification (germline): Uncertain significance. Review status: criteria provided, multiple submitters, no conflicts (2 of 4 stars). 5 submissions from 5 submitters: Uncertain significance (5). Last evaluated 2025-08-16.

Conditions:
Hyperkalemic periodic paralysis. Also called: Familial hyperkalemic periodic paralysis; Gamstorp disease. Identifiers: Orphanet 682, MedGen C0238357, MONDO:0008224, OMIM 170500, HP:0007215.
Congenital myasthenic syndrome 16. Identifiers: Orphanet 590, MedGen C3280112, MONDO:0013620, OMIM 614198.
Hypokalemic periodic paralysis, type 1. Also called: Hypokalemic Periodic Paralysis Type 1 (AD); HypoPP. Identifiers: Orphanet 681, MedGen C3714580, MONDO:0042979, OMIM 170400.
Paramyotonia congenita of Von Eulenburg. Also called: Myotonia congenita intermittens; Von Eulenburg paramyotonia congenita; Paramyotonia Congenita; PARALYSIS PERIODICA PARAMYOTONICA; Eulenburg disease. Identifiers: Orphanet 684, MedGen C0221055, MONDO:0008195, OMIM 168300. Disease mechanism: loss of function.
Hypokalemic periodic paralysis, type 2 (HOKPP2). Identifiers: Orphanet 681, MedGen C2750061, MONDO:0013234, OMIM 613345.
Potassium-aggravated myotonia. Also called: Myotonia congenita, atypical, acetazolamide-responsive; MYOTONIA CONGENITA, ACETAZOLAMIDE-RESPONSIVE; MYOTONIA CONGENITA, ATYPICAL; SODIUM CHANNEL MUSCLE DISEASE. Identifiers: Orphanet 612, Orphanet 99734, Orphanet 99735, Orphanet 99736, MedGen C2931826, MONDO:0018959, OMIM 608390.
Inborn genetic diseases. Identifiers: MedGen C0950123, MeSH D030342.

Allele frequency attached by ClinVar (database versions not stated): gnomAD exomes 0.00001 and below 0.00001; TOPMed 0.00001; gnomAD 0.00001 and 0.00003.
gnomAD v4.1: 8 of 1,595,946 alleles (0.0005%); highest among the groups gnomAD compares: Non-Finnish European, 0.00068%; no homozygotes.

Submissions (5):

GeneDx
Classification: Uncertain significance. Last evaluated: 2025-08-16. Review status: criteria provided, single submitter. Criteria: GeneDx Variant Classification Process June 2021. Collection method: clinical testing. Allele origin: germline. Affected: yes.
Comment: Not observed at significant frequency in large population cohorts (gnomAD); In silico analysis suggests that this missense variant does not alter protein structure/function; Has not been previously published as pathogenic or benign to our knowledge

Ambry Genetics
Classification: Uncertain significance for Inborn genetic diseases. Last evaluated: 2025-03-27. Review status: criteria provided, single submitter. Criteria: Ambry Variant Classification Scheme 2023. Collection method: clinical testing. Allele origin: germline.

Labcorp Genetics (formerly Invitae), Labcorp
Classification: Uncertain significance for Hyperkalemic periodic paralysis. Last evaluated: 2024-11-14. Review status: criteria provided, single submitter. Criteria: Invitae Variant Classification Sherloc (09022015). Collection method: clinical testing. Allele origin: germline.
Comment: This sequence change replaces methionine, which is neutral and non-polar, with threonine, which is neutral and polar, at codon 855 of the SCN4A protein (p.Met855Thr). The frequency data for this variant in the population databases is considered unreliable, as metrics indicate poor data quality at this position in the gnomAD database. This variant has not been reported in the literature in individuals affected with SCN4A-related conditions. ClinVar contains an entry for this variant (Variation ID: 577263). Invitae Evidence Modeling of protein sequence and biophysical properties (such as structural, functional, and spatial information, amino acid conservation, physicochemical variation, residue mobility, and thermodynamic stability) indicates that this missense variant is not expected to disrupt SCN4A protein function with a negative predictive value of 95%. In summary, the available evidence is currently insufficient to determine the role of this variant in disease. Therefore, it has been classified as a Variant of Uncertain Significance.

Fulgent Genetics
Classification: Uncertain significance for Paramyotonia congenita of Von Eulenburg; Hypokalemic periodic paralysis, type 1; Hyperkalemic periodic paralysis; Potassium-aggravated myotonia; Hypokalemic periodic paralysis, type 2; Congenital myasthenic syndrome 16. Last evaluated: 2022-02-04. Review status: criteria provided, single submitter. Criteria: ACMG Guidelines, 2015. Collection method: clinical testing. Allele origin: unknown.

Revvity Omics, Revvity
Classification: Uncertain significance. Last evaluated: 2019-07-12. Review status: criteria provided, single submitter. Criteria: ACMG Guidelines, 2015. Collection method: clinical testing. Allele origin: germline.